The following is an entry in ClinVar:

NM_020066.5(FMN2):c.3129T>C (p.Pro1043=)

Gene: FMN2 (formin 2; plus strand). Cytogenetic location: 1q43.
Variant type: single nucleotide variant.
Coding change: c.3129T>C on transcript NM_020066.5 (MANE Select); coding-DNA position 3129, T replaced by C.
Protein change: p.Pro1043=; no amino-acid change (proline 1043 retained).
Molecular consequence: synonymous variant. On other transcripts: intron variant (1).
Genome position (GRCh38, 1-based): chr1:240,207,941, T>C. VCF-style: chr1-240207941-T-C. GRCh37 (hg19) VCF-style: chr1-240371241-T-C.
Other names: c.3141T>C, p.Pro1047= (NM_001305424.2); c.1986+19679T>C (NM_001348094.2).
Identifiers: ClinVar variation 3777982 (VCV003777982.7).

ClinVar aggregate classification (germline): Likely benign (1 of 4 stars; one submission).

Submission:

CeGaT Center for Human Genetics Tuebingen
Classification: Likely benign. Last evaluated: 2025-03-01. Review status: criteria provided, single submitter. Criteria: CeGaT Center For Human Genetics Tuebingen Variant Classification Criteria Version 2. Collection method: clinical testing. Allele origin: germline. Affected: yes. Observed: 1 variant allele.
Comment: FMN2: PM2:Supporting, BP4, BP7